The following is an entry in ClinVar:

NC_000023.10:g.(?_8501036)_(8700077_?)dup

Gene: ANOS1 (anosmin 1; minus strand). Cytogenetic location: Xp22.31.
Variant type: Duplication.
Identifiers: ClinVar variation 2422591 (VCV002422591.4).

ClinVar aggregate classification (germline): Uncertain significance (1 of 4 stars; one submission).

Conditions:
Hypogonadotropic hypogonadism 1 with or without anosmia (HH1). Also called: DYSPLASIA OLFACTOGENITALIS OF DE MORSIER; KAL1-Related GnRH Deficiency (Kallmann Syndrome 1; Kallmann Syndrome, X-Linked); HYPOGONADOTROPIC HYPOGONADISM 1 WITH ANOSMIA; HYPOGONADOTROPIC HYPOGONADISM AND ANOSMIA; Kallmann syndrome, type 1, X-linked; Hypogonadotropic hypogonadism 1 with or without anosmia (Kallmann syndrome 1). Identifiers: Orphanet 478, MedGen C1563719, MONDO:0010635, OMIM 308700. Disease mechanism: loss of function.

Submission:

Labcorp Genetics (formerly Invitae), Labcorp
Classification: Uncertain significance for Hypogonadotropic hypogonadism 1 with or without anosmia. Last evaluated: 2023-12-04. Review status: criteria provided, single submitter. Criteria: Invitae Variant Classification Sherloc (09022015). Collection method: clinical testing. Allele origin: germline.
Comment: A copy number gain of the genomic region encompassing the full coding sequence of the ANOS1 gene has been identified. The boundaries of this event are unknown as they extend beyond the assayed region for this gene and therefore may encompass additional genes. As the precise location of this event is unknown, it may be in tandem or it may be located elsewhere in the genome. Isolated whole-gene copy number gains of ANOS1 have not been reported in the literature. However, larger copy number events that include this gene have been reported (PMID: 31602316). In summary, the available evidence is currently insufficient to determine the role of this variant in disease. Therefore, it has been classified as a Variant of Uncertain Significance.

Literature cited by the submitters: PubMed 31602316.